The following is an entry in ClinVar:

ClinVar aggregate classification (germline): Likely benign (0 of 4 stars; one submission).

Conditions:
DAO-related disorder. Also called: DAO-related condition.

Allele frequency attached by ClinVar (database versions not stated): TOPMed 0.00004; gnomAD 0.00020; gnomAD exomes 0.00020; ExAC 0.00056; 1000 Genomes Project 30x 0.00109; 1000 Genomes Project 0.00140.
gnomAD v4.1: 324 of 1,613,372 alleles (0.02%); highest among the groups gnomAD compares: South Asian, 0.31%; 2 homozygotes.

Submission:

PreventionGenetics, part of Exact Sciences
Classification: Likely benign for DAO-related condition. Last evaluated: 2022-12-09. Review status: no assertion criteria provided. Collection method: clinical testing. Allele origin: germline.
Comment: This variant is classified as likely benign based on ACMG/AMP sequence variant interpretation guidelines (Richards et al. 2015 PMID: 25741868, with internal and published modifications).

NM_001917.5(DAO):c.147C>T (p.Ala49=)

Gene: DAO (D-amino acid oxidase; plus strand). Cytogenetic location: 12q24.11.
Variant type: single nucleotide variant.
Coding change: c.147C>T on transcript NM_001917.5 (MANE Select); coding-DNA position 147, C replaced by T.
Protein change: p.Ala49=; no amino-acid change (alanine 49 retained).
Molecular consequence: synonymous variant.
Genome position (GRCh38, 1-based): chr12:108,885,153, C>T. VCF-style: chr12-108885153-C-T. GRCh37 (hg19) VCF-style: chr12-109278929-C-T.
Other names: c.147C>T, p.Ala49= (NM_001413634.1, NM_001413635.1).
Identifiers: ClinVar variation 3046863 (VCV003046863.2), dbSNP rs531749171, ClinGen allele CA6770971.